The following is an entry in ClinVar:

ClinVar aggregate classification (germline): Uncertain significance (1 of 4 stars; one submission).

Submission:

Labcorp Genetics (formerly Invitae), Labcorp
Classification: Uncertain significance. Last evaluated: 2021-02-03. Review status: criteria provided, single submitter. Criteria: Invitae Variant Classification Sherloc (09022015). Collection method: clinical testing. Allele origin: germline.
Comment: This variant is not present in population databases (ExAC no frequency). This sequence change replaces leucine with glutamine at codon 153 of the GNAS protein (p.Leu153Gln). The leucine residue is highly conserved and there is a moderate physicochemical difference between leucine and glutamine. This variant has not been reported in the literature in individuals with GNAS-related conditions. In summary, the available evidence is currently insufficient to determine the role of this variant in disease. Therefore, it has been classified as a Variant of Uncertain Significance. Algorithms developed to predict the effect of missense changes on protein structure and function are either unavailable or do not agree on the potential impact of this missense change (SIFT: "Deleterious"; PolyPhen-2: "Probably Damaging"; Align-GVGD: "Class C0").

NM_000516.7(GNAS):c.458T>A (p.Leu153Gln)

Gene: GNAS (GNAS complex locus; plus strand). Cytogenetic location: 20q13.32.
Variant type: single nucleotide variant.
Coding change: c.458T>A on transcript NM_000516.7 (MANE Select); coding-DNA position 458, T replaced by A.
Protein change: p.Leu153Gln; replaces leucine 153 with glutamine.
Molecular consequence: missense variant. On other transcripts: 3 prime UTR variant (2).
Genome position (GRCh38, 1-based): chr20:58,905,408, T>A. VCF-style: chr20-58905408-T-A. GRCh37 (hg19) VCF-style: chr20-57480463-T-A.
Other names: c.461T>A, p.Leu154Gln (NM_001077488.5); c.413T>A, p.Leu138Gln (NM_001077489.4); c.*319T>A (NM_001077490.3); c.281T>A, p.Leu94Gln (NM_001309840.2, NM_001309861.2); c.*364T>A (NM_016592.5); c.2387T>A, p.Leu796Gln (NM_080425.4); c.416T>A, p.Leu139Gln (NM_080426.4); short protein forms L138Q, L154Q, L796Q, L153Q, L139Q, L94Q.
Identifiers: ClinVar variation 1484390 (VCV001484390.8), dbSNP rs2146209100, ClinGen allele CA409451097.